The following is an entry in ClinVar:

ClinVar aggregate classification (germline): Uncertain significance (1 of 4 stars; one submission).

Conditions:
Long QT syndrome (LQTS). Identifiers: MedGen C0023976, MeSH D008133, MONDO:0002442. Disease mechanism: loss of function. Inheritance: Various modes of inheritance.

Allele frequency attached by ClinVar (database versions not stated): gnomAD 0.00001.
gnomAD v4.1: 1 of 1,606,114 alleles (0.000062%); no homozygotes.

Submission:

Labcorp Genetics (formerly Invitae), Labcorp
Classification: Uncertain significance for Long QT syndrome. Last evaluated: 2021-09-16. Review status: criteria provided, single submitter. Criteria: Invitae Variant Classification Sherloc (09022015). Collection method: clinical testing. Allele origin: germline.
Comment: In summary, the available evidence is currently insufficient to determine the role of this variant in disease. Therefore, it has been classified as a Variant of Uncertain Significance. Algorithms developed to predict the effect of missense changes on protein structure and function (SIFT, PolyPhen-2, Align-GVGD) all suggest that this variant is likely to be disruptive, but these predictions have not been confirmed by published functional studies and their clinical significance is uncertain. This variant has not been reported in the literature in individuals with CACNA1C-related conditions. This variant is not present in population databases (ExAC no frequency). This sequence change replaces proline with leucine at codon 1526 of the CACNA1C protein (p.Pro1526Leu). The proline residue is highly conserved and there is a moderate physicochemical difference between proline and leucine.

NM_000719.7(CACNA1C):c.4577C>T (p.Pro1526Leu)

Gene: CACNA1C (calcium voltage-gated channel subunit alpha1 C; plus strand). Cytogenetic location: 12p13.33.
Variant type: single nucleotide variant.
Coding change: c.4577C>T on transcript NM_000719.7 (MANE Select); coding-DNA position 4577, C replaced by T.
Protein change: p.Pro1526Leu; replaces proline 1526 with leucine.
Molecular consequence: missense variant.
Genome position (GRCh38, 1-based): chr12:2,666,736, C>T. VCF-style: chr12-2666736-C-T. GRCh37 (hg19) VCF-style: chr12-2775902-C-T.
Other names: c.4721C>T, p.Pro1574Leu (NM_001129827.2, NM_199460.4); c.4643C>T, p.Pro1548Leu (NM_001129829.2); c.4577C>T, p.Pro1526Leu (NM_001129830.3, NM_001129833.2, NM_001129834.2 and 7 more transcripts); c.4661C>T, p.Pro1554Leu (NM_001129831.2); c.4637C>T, p.Pro1546Leu (NM_001129832.2); c.4628C>T, p.Pro1543Leu (NM_001129836.2); c.4544C>T, p.Pro1515Leu (NM_001129837.2, NM_001129838.2, NM_001129846.2 and 1 more transcripts); c.4538C>T, p.Pro1513Leu (NM_001129839.2); and 1 more; short protein forms P1523L, P1526L, P1554L, P1574L, P1513L, P1515L, P1543L, P1546L.
Identifiers: ClinVar variation 1380634 (VCV001380634.8), dbSNP rs2096135811, ClinGen allele CA383376880.
Genomic context (GRCh38, chr12:2,666,736, plus strand): 5'-CCTCTTCTAGGGGTCGTATCAAACACCTGGATGTGGTGACCCTCCTCCGGCGGATTCAGC[C>T]GCCACTAGGTTTTGGGAAGCTGTGCCCTCACCGCGTGGCTTGCAAAGTAAGAGATAACGG-3'
Protein context (NP_000710.5, residues 1516-1536): DVVTLLRRIQ[Pro1526Leu]PLGFGKLCPH